The following is an entry in ClinVar:

ClinVar aggregate classification (germline): Uncertain significance (1 of 4 stars; one submission).

Submission:

GeneDx
Classification: Uncertain significance. Last evaluated: 2024-12-12. Review status: criteria provided, single submitter. Criteria: GeneDx Variant Classification Process June 2021. Collection method: clinical testing. Allele origin: germline. Affected: yes.
Comment: Not observed at significant frequency in large population cohorts (gnomAD); In silico analysis supports that this missense variant has a deleterious effect on protein structure/function; Has not been previously published as pathogenic or benign to our knowledge

NM_001112741.2(KCNC1):c.980A>G (p.His327Arg)

Gene: KCNC1 (potassium voltage-gated channel subfamily C member 1; plus strand). Cytogenetic location: 11p15.1.
Variant type: single nucleotide variant.
Coding change: c.980A>G on transcript NM_001112741.2 (MANE Select); coding-DNA position 980, A replaced by G.
Protein change: p.His327Arg; replaces histidine 327 with arginine.
Molecular consequence: missense variant.
Genome position (GRCh38, 1-based): chr11:17,772,074, A>G. VCF-style: chr11-17772074-A-G. GRCh37 (hg19) VCF-style: chr11-17793621-A-G.
Other names: c.980A>G, p.His327Arg (NM_004976.4); short protein forms H327R.
Identifiers: ClinVar variation 3903017 (VCV003903017.1).